The following is an entry in ClinVar:

NM_000217.3(KCNA1):c.1347G>A (p.Met449Ile)

Gene: KCNA1 (potassium voltage-gated channel subfamily A member 1; plus strand). Cytogenetic location: 12p13.32.
Variant type: single nucleotide variant.
Coding change: c.1347G>A on transcript NM_000217.3 (MANE Select); coding-DNA position 1347, G replaced by A.
Protein change: p.Met449Ile; replaces methionine 449 with isoleucine.
Molecular consequence: missense variant.
Genome position (GRCh38, 1-based): chr12:4,912,725, G>A. VCF-style: chr12-4912725-G-A. GRCh37 (hg19) VCF-style: chr12-5021891-G-A.
Other names: c.1347G>A (NM_000217.2); short protein forms M449I.
Identifiers: ClinVar variation 2050634 (VCV002050634.5), dbSNP rs112561866, ClinGen allele CA6399491.

ClinVar aggregate classification (germline): Uncertain significance. Review status: criteria provided, multiple submitters, no conflicts (2 of 4 stars). 2 submissions from 2 submitters: Uncertain significance (2). Last evaluated 2025-10-10.

Conditions:
Episodic ataxia type 1 (EA1). Also called: Episodic ataxia/myokymia syndrome; MYOKYMIA WITH PERIODIC ATAXIA; PAROXYSMAL ATAXIA WITH NEUROMYOTONIA, HEREDITARY; ATAXIA, EPISODIC, WITH MYOKYMIA. Identifiers: Orphanet 37612, Orphanet 972, MedGen C1719788, MONDO:0008047, OMIM 160120.

Allele frequency attached by ClinVar (database versions not stated): gnomAD exomes 0.00001; TOPMed 0.00001; ExAC 0.00002; gnomAD 0.00005.

Submissions (2):

Labcorp Genetics (formerly Invitae), Labcorp
Classification: Uncertain significance for Episodic ataxia type 1. Last evaluated: 2025-10-10. Review status: criteria provided, single submitter. Criteria: Invitae Variant Classification Sherloc (09022015). Collection method: clinical testing. Allele origin: germline.
Comment: This sequence change replaces methionine, which is neutral and non-polar, with isoleucine, which is neutral and non-polar, at codon 449 of the KCNA1 protein (p.Met449Ile). This variant is present in population databases (rs112561866, gnomAD 0.02%). This variant has not been reported in the literature in individuals affected with KCNA1-related conditions. ClinVar contains an entry for this variant (Variation ID: 2050634). Invitae Evidence Modeling of protein sequence and biophysical properties (such as structural, functional, and spatial information, amino acid conservation, physicochemical variation, residue mobility, and thermodynamic stability) indicates that this missense variant is not expected to disrupt KCNA1 protein function with a negative predictive value of 95%. In summary, the available evidence is currently insufficient to determine the role of this variant in disease. Therefore, it has been classified as a Variant of Uncertain Significance.

GeneDx
Classification: Uncertain significance. Last evaluated: 2022-08-17. Review status: criteria provided, single submitter. Criteria: GeneDx Variant Classification Process June 2021. Collection method: clinical testing. Allele origin: germline. Affected: yes.
Comment: In silico analysis supports that this missense variant does not alter protein structure/function; Has not been previously published as pathogenic or benign to our knowledge; This variant is associated with the following publications: (PMID: 28658141)